The following is an entry in ClinVar:

ClinVar aggregate classification (germline): Pathogenic (1 of 4 stars; one submission).

Conditions:
Usher syndrome type 1C. Also called: USHER SYNDROME, TYPE I, ACADIAN VARIETY. Identifiers: Orphanet 231169, Orphanet 886, MedGen C1848604, MONDO:0010171, OMIM 276904.

Submission:

Myriad Genetics, Inc.
Classification: Pathogenic for Usher syndrome type 1C. Last evaluated: 2024-05-25. Review status: criteria provided, single submitter. Criteria: Myriad Autosomal Dominant, Autosomal Recessive and X-Linked Classification Criteria (2023). Collection method: clinical testing. Allele origin: unknown.
Comment: NM_005709.3(USH1C):c.528delT(D177Mfs*41) is expected to be pathogenic in the context of USH1C-related disorders. This variant is predicted to lead to an abnormal or absent protein product due to the creation of a premature termination codon in USH1C, a gene where loss-of-function variants are known to be pathogenic. Please note: this variant was assessed in the context of healthy population screening.

NM_153676.4(USH1C):c.528del (p.Asp177fs)

Gene: USH1C (USH1 protein network component harmonin; minus strand). Cytogenetic location: 11p15.1.
Variant type: Deletion.
Coding change: c.528del on transcript NM_153676.4 (MANE Select); coding-DNA position 528, one base deleted (T; older notation c.528delT).
Protein change: p.Asp177fs; shifts the reading frame from aspartic acid 177.
Molecular consequence: frameshift variant. On other transcripts: non-coding transcript variant (1).
Genome position (GRCh38, 1-based): chr11:17,526,804, A deleted on the plus strand (T on the coding strand, the reverse complement: USH1C is on the minus strand). VCF-style (leftmost placement, unchanged base first): chr11-17526803-CA-C. GRCh37 (hg19) VCF-style: chr11-17548350-CA-C.
Other names: c.528del, p.Asp177fs (NM_001297764.2, NM_001440680.1, NM_001440681.1 and 5 more transcripts); c.561del, p.Asp188fs (NM_001440679.1, NM_001440684.1, NM_001440686.1); short protein forms D177fs, D188fs.
Identifiers: ClinVar variation 5013112 (VCV005013112.1).